The following is an entry in ClinVar:

NM_002519.3(NPAT):c.1930T>G (p.Leu644Val)

Gene: NPAT (nuclear protein, coactivator of histone transcription; minus strand). Cytogenetic location: 11q22.3.
Variant type: single nucleotide variant.
Coding change: c.1930T>G on transcript NM_002519.3 (MANE Select); coding-DNA position 1930, T replaced by G.
Protein change: p.Leu644Val; replaces leucine 644 with valine.
Molecular consequence: missense variant.
Genome position (GRCh38, 1-based): chr11:108,173,054, A>C on the plus strand (T>G on the coding strand, the complement: NPAT is on the minus strand). VCF-style: chr11-108173054-A-C. GRCh37 (hg19) VCF-style: chr11-108043781-A-C.
Other names: c.1930T>G, p.Leu644Val (NM_001321307.1); short protein forms L644V.
Identifiers: ClinVar variation 1782886 (VCV001782886.8), dbSNP rs1337471222, ClinGen allele CA382514051.
Genomic context (GRCh38, chr11:108,173,054, plus strand): 5'-ATGAAGGCTCCTGTGAATTCTCAGACTTGGATGCCTGAGCTTCATTTTCTGTATGATTTA[A>C]CTCAACAGATGCTGAATCATTAGATGGTTGTTTAGTAGAAGACAGCGAATCTCCAAGATG-3'
Protein context (NP_002510.2, residues 634-654): QPSNDSASVE[Leu644Val]NHTENEAQAS

ClinVar aggregate classification (germline): Uncertain significance. Review status: criteria provided, multiple submitters, no conflicts (2 of 4 stars). 2 submissions from 2 submitters: Uncertain significance (2). Last evaluated 2025-12-03.

Allele frequency attached by ClinVar (database versions not stated): TOPMed 0.00003; gnomAD 0.00004; gnomAD exomes 0.00006.
gnomAD v4.1: 85 of 1,613,898 alleles (0.0053%); highest among the groups gnomAD compares: Non-Finnish European, 0.007%; no homozygotes.

Submissions (2):

Labcorp Genetics (formerly Invitae), Labcorp
Classification: Uncertain significance. Last evaluated: 2025-12-03. Review status: criteria provided, single submitter. Criteria: Invitae Variant Classification Sherloc (09022015). Collection method: clinical testing. Allele origin: germline.
Comment: This sequence change replaces leucine, which is neutral and non-polar, with valine, which is neutral and non-polar, at codon 644 of the NPAT protein (p.Leu644Val). This variant is present in population databases (no rsID available, gnomAD 0.002%). This variant has not been reported in the literature in individuals affected with NPAT-related conditions. ClinVar contains an entry for this variant (Variation ID: 1782886). An algorithm developed to predict the effect of missense changes on protein structure and function (PolyPhen-2) suggests that this variant is likely to be disruptive. Algorithms developed to predict the effect of sequence changes on RNA splicing suggest that this variant may create or strengthen a splice site. In summary, the available evidence is currently insufficient to determine the role of this variant in disease. Therefore, it has been classified as a Variant of Uncertain Significance.

Ambry Genetics
Classification: Uncertain significance. Last evaluated: 2025-08-15. Review status: criteria provided, single submitter. Criteria: Ambry Variant Classification Scheme 2023. Collection method: clinical testing. Allele origin: germline.